The following is an entry in ClinVar:

ClinVar aggregate classification (germline): Uncertain significance (1 of 4 stars; one submission).

Conditions:
Early-infantile DEE. Also called: Early infantile epileptic encephalopathy with suppression bursts; Ohtahara syndrome; Early infantile epileptic encephalopathy. Identifiers: Orphanet 1934, MedGen C0393706, MONDO:0800491.

Submission:

Labcorp Genetics (formerly Invitae), Labcorp
Classification: Uncertain significance for Early-infantile DEE. Last evaluated: 2022-08-16. Review status: criteria provided, single submitter. Criteria: Invitae Variant Classification Sherloc (09022015). Collection method: clinical testing. Allele origin: germline.
Comment: This sequence change replaces glutamic acid, which is acidic and polar, with glutamine, which is neutral and polar, at codon 1967 of the SPTAN1 protein (p.Glu1967Gln). This variant is not present in population databases (gnomAD no frequency). Algorithms developed to predict the effect of missense changes on protein structure and function (SIFT, PolyPhen-2, Align-GVGD) all suggest that this variant is likely to be tolerated. This variant has not been reported in the literature in individuals affected with SPTAN1-related conditions. ClinVar contains an entry for this variant (Variation ID: 998893). In summary, the available evidence is currently insufficient to determine the role of this variant in disease. Therefore, it has been classified as a Variant of Uncertain Significance.

NM_001130438.3(SPTAN1):c.5899G>C (p.Glu1967Gln)

Gene: SPTAN1 (spectrin alpha, non-erythrocytic 1; plus strand). Cytogenetic location: 9q34.11.
Variant type: single nucleotide variant.
Coding change: c.5899G>C on transcript NM_001130438.3 (MANE Select); coding-DNA position 5899, G replaced by C.
Protein change: p.Glu1967Gln; replaces glutamic acid 1967 with glutamine.
Molecular consequence: missense variant.
Genome position (GRCh38, 1-based): chr9:128,624,394, G>C. VCF-style: chr9-128624394-G-C. GRCh37 (hg19) VCF-style: chr9-131386673-G-C.
Other names: c.5824G>C, p.Glu1942Gln (NM_001195532.2); c.5899G>C, p.Glu1967Gln (NM_001363759.2, NM_001375310.1, NM_001375311.2 and 1 more transcripts); c.5839G>C, p.Glu1947Gln (NM_001363765.2, NM_001375314.2); c.5935G>C, p.Glu1979Gln (NM_001375312.2, NM_001375318.1); c.5884G>C, p.Glu1962Gln (NM_003127.4); short protein forms E1942Q, E1947Q, E1962Q, E1967Q, E1979Q.
Identifiers: ClinVar variation 998893 (VCV000998893.9), dbSNP rs1858419335, ClinGen allele CA375082305.